The following is an entry in ClinVar:

NM_002029.4(FPR1):c.591G>A (p.Met197Ile)

Gene: FPR1 (formyl peptide receptor 1; minus strand). Cytogenetic location: 19q13.41.
Variant type: single nucleotide variant.
Coding change: c.591G>A on transcript NM_002029.4 (MANE Select); coding-DNA position 591, G replaced by A.
Protein change: p.Met197Ile; replaces methionine 197 with isoleucine.
Molecular consequence: missense variant.
Genome position (GRCh38, 1-based): chr19:51,746,404, C>T on the plus strand (G>A on the coding strand, the complement: FPR1 is on the minus strand). VCF-style: chr19-51746404-C-T. GRCh37 (hg19) VCF-style: chr19-52249657-C-T.
Other names: c.591G>A, p.Met197Ile (NM_001193306.2); short protein forms M197I.
Identifiers: ClinVar variation 2176439 (VCV002176439.5), dbSNP rs1431399661, ClinGen allele CA407118004.

ClinVar aggregate classification (germline): Uncertain significance. Review status: criteria provided, multiple submitters, no conflicts (2 of 4 stars). 2 submissions from 2 submitters: Uncertain significance (2). Last evaluated 2025-05-19.

Conditions:
Gingival disorder. Also called: Gingival disease. Identifiers: MedGen C0017563, MONDO:0002021.

Allele frequency attached by ClinVar (database versions not stated): gnomAD exomes below 0.00001; TOPMed below 0.00001; gnomAD 0.00001.

Submissions (2):

Labcorp Genetics (formerly Invitae), Labcorp
Classification: Uncertain significance for Gingival disorder. Last evaluated: 2025-05-19. Review status: criteria provided, single submitter. Criteria: Invitae Variant Classification Sherloc (09022015). Collection method: clinical testing. Allele origin: germline.
Comment: This sequence change replaces methionine, which is neutral and non-polar, with isoleucine, which is neutral and non-polar, at codon 197 of the FPR1 protein (p.Met197Ile). This variant is present in population databases (no rsID available, gnomAD 0.002%). This variant has not been reported in the literature in individuals affected with FPR1-related conditions. ClinVar contains an entry for this variant (Variation ID: 2176439). An algorithm developed to predict the effect of missense changes on protein structure and function outputs the following: PolyPhen-2: "Benign". The isoleucine amino acid residue is found in multiple mammalian species, which suggests that this missense change does not adversely affect protein function. In summary, the available evidence is currently insufficient to determine the role of this variant in disease. Therefore, it has been classified as a Variant of Uncertain Significance.

Ambry Genetics
Classification: Uncertain significance. Last evaluated: 2022-12-01. Review status: criteria provided, single submitter. Criteria: Ambry Variant Classification Scheme 2023. Collection method: clinical testing. Allele origin: germline.